The following is an entry in ClinVar:

ClinVar aggregate classification (germline): Uncertain significance (1 of 4 stars; one submission).

gnomAD v4.1: 40 of 1,550,870 alleles (0.0026%); highest among the groups gnomAD compares: East Asian, 0.093%; no homozygotes.

Submission:

Labcorp Genetics (formerly Invitae), Labcorp
Classification: Uncertain significance. Last evaluated: 2024-09-03. Review status: criteria provided, single submitter. Criteria: Invitae Variant Classification Sherloc (09022015). Collection method: clinical testing. Allele origin: germline.
Comment: This sequence change replaces valine, which is neutral and non-polar, with glutamic acid, which is acidic and polar, at codon 623 of the OTOG protein (p.Val623Glu). This variant is present in population databases (no rsID available, gnomAD 0.1%). This variant has not been reported in the literature in individuals affected with OTOG-related conditions. An algorithm developed to predict the effect of missense changes on protein structure and function (PolyPhen-2) suggests that this variant is likely to be disruptive. In summary, the available evidence is currently insufficient to determine the role of this variant in disease. Therefore, it has been classified as a Variant of Uncertain Significance.

NM_001292063.2(OTOG):c.1832T>A (p.Val611Glu)

Gene: OTOG (otogelin; plus strand). Cytogenetic location: 11p15.1.
Variant type: single nucleotide variant.
Coding change: c.1832T>A on transcript NM_001292063.2 (MANE Select); coding-DNA position 1832, T replaced by A.
Protein change: p.Val611Glu; replaces valine 611 with glutamic acid.
Molecular consequence: missense variant.
Genome position (GRCh38, 1-based): chr11:17,570,267, T>A. VCF-style: chr11-17570267-T-A. GRCh37 (hg19) VCF-style: chr11-17591814-T-A.
Other names: c.1868T>A, p.Val623Glu (NM_001277269.2); short protein forms V611E, V623E.
Identifiers: ClinVar variation 3603364 (VCV003603364.2).
Genomic context (GRCh38, chr11:17,570,267, plus strand): 5'-GCCCAGATGCCTTTGAGATCCGTAGGCTGTCCTCCGTGTTCCTGCGGGTGAGGACGAACG[T>A]GGGCGTGCGGGTGCTCTACGACCGTGAAGGGCTCCGACTGTACCTGCAAGTGGACCAGCG-3'
Protein context (NP_001278992.1, residues 601-621): SSVFLRVRTN[Val611Glu]GVRVLYDREG